The following is an entry in ClinVar:

NM_006005.3(WFS1):c.2552T>G (p.Met851Arg)

Gene: WFS1 (wolframin ER transmembrane glycoprotein; plus strand). Cytogenetic location: 4p16.1.
Variant type: single nucleotide variant.
Coding change: c.2552T>G on transcript NM_006005.3 (MANE Select); coding-DNA position 2552, T replaced by G.
Protein change: p.Met851Arg; replaces methionine 851 with arginine.
Molecular consequence: missense variant.
Genome position (GRCh38, 1-based): chr4:6,302,347, T>G. VCF-style: chr4-6302347-T-G. GRCh37 (hg19) VCF-style: chr4-6304074-T-G.
Other names: c.2552T>G, p.Met851Arg (NM_001145853.1); short protein forms M851R.
Identifiers: ClinVar variation 1469462 (VCV001469462.10), dbSNP rs758613421, ClinGen allele CA2839775.

ClinVar aggregate classification (germline): Uncertain significance. Review status: criteria provided, multiple submitters, no conflicts (2 of 4 stars). 3 submissions from 3 submitters: Uncertain significance (3). Last evaluated 2024-12-23.

Conditions:
Autosomal dominant nonsyndromic hearing loss 6 (LFSNHL). Also called: DEAFNESS, AUTOSOMAL DOMINANT 14; DEAFNESS, AUTOSOMAL DOMINANT 38; DEAFNESS, AUTOSOMAL DOMINANT 6; Autosomal dominant nonsyndromic deafness 6. Identifiers: Orphanet 90635, MedGen C1833021, MONDO:0010963, OMIM 600965.
Type 2 diabetes mellitus. Also called: Type II diabetes mellitus. Identifiers: MedGen C0011860, MeSH D003924, MONDO:0005148, OMIM 125853, HP:0005978.
Cataract 41 (CTRCT41). Also called: CATARACT 41, CONGENITAL NUCLEAR TYPE. Identifiers: Orphanet 91492, Orphanet 98991, Orphanet 98992, Orphanet 98995, MedGen C3805412, MONDO:0007287, OMIM 116400.
Wolfram syndrome 1 (WFS1). Identifiers: Orphanet 3463, MedGen C4551693, MONDO:0009101, OMIM 222300.
Wolfram-like syndrome. Also called: HEARING LOSS, PROGRESSIVE, WITH OPTIC ATROPHY AND/OR IMPAIRED GLUCOSE REGULATION. Identifiers: Orphanet 411590, MedGen C3280358, MONDO:0013673, OMIM 614296.

Allele frequency attached by ClinVar (database versions not stated): ExAC 0.00002; gnomAD exomes 0.00002; TOPMed 0.00003; gnomAD 0.00005 and 0.00006.
gnomAD v4.1: 20 of 1,612,822 alleles (0.0012%); highest among the groups gnomAD compares: African/African-American, 0.013%; no homozygotes.

Submissions (3):

Labcorp Genetics (formerly Invitae), Labcorp
Classification: Uncertain significance. Last evaluated: 2024-12-23. Review status: criteria provided, single submitter. Criteria: Invitae Variant Classification Sherloc (09022015). Collection method: clinical testing. Allele origin: germline.
Comment: This sequence change replaces methionine, which is neutral and non-polar, with arginine, which is basic and polar, at codon 851 of the WFS1 protein (p.Met851Arg). This variant is present in population databases (rs758613421, gnomAD 0.02%). This variant has not been reported in the literature in individuals affected with WFS1-related conditions. ClinVar contains an entry for this variant (Variation ID: 1469462). Invitae Evidence Modeling of protein sequence and biophysical properties (such as structural, functional, and spatial information, amino acid conservation, physicochemical variation, residue mobility, and thermodynamic stability) indicates that this missense variant is not expected to disrupt WFS1 protein function with a negative predictive value of 95%. In summary, the available evidence is currently insufficient to determine the role of this variant in disease. Therefore, it has been classified as a Variant of Uncertain Significance.

GeneDx
Classification: Uncertain significance. Last evaluated: 2023-10-16. Review status: criteria provided, single submitter. Criteria: GeneDx Variant Classification Process June 2021. Collection method: clinical testing. Allele origin: germline. Affected: yes.
Comment: In silico analysis supports that this missense variant does not alter protein structure/function; Has not been previously published as pathogenic or benign to our knowledge

Fulgent Genetics
Classification: Uncertain significance for Cataract 41; Type 2 diabetes mellitus; Wolfram syndrome 1; Autosomal dominant nonsyndromic hearing loss 6; Wolfram-like syndrome. Last evaluated: 2021-10-19. Review status: criteria provided, single submitter. Criteria: ACMG Guidelines, 2015. Collection method: clinical testing. Allele origin: unknown.